The following is an entry in ClinVar:

NM_001040716.2(PC):c.3288+2T>C

Gene: PC (pyruvate carboxylase; minus strand). Cytogenetic location: 11q13.2.
Variant type: single nucleotide variant.
Coding change: c.3288+2T>C on transcript NM_001040716.2 (MANE Select); the canonical splice donor site of the intron after coding-DNA position 3288, T replaced by C.
Molecular consequence: splice donor variant.
Genome position (GRCh38, 1-based): chr11:66,849,228, A>G on the plus strand (T>C on the coding strand, the complement: PC is on the minus strand). VCF-style: chr11-66849228-A-G. GRCh37 (hg19) VCF-style: chr11-66616699-A-G.
Other names: c.3288+2T>C (NM_000920.4, NM_022172.3).
Identifiers: ClinVar variation 1425937 (VCV001425937.6), dbSNP rs2135785388, ClinGen allele CA381489827.

ClinVar aggregate classification (germline): Pathogenic (1 of 4 stars; one submission).

Conditions:
Pyruvate carboxylase deficiency. Also called: Pyruvate Carboxylase Deficiency Disease; LEIGH NECROTIZING ENCEPHALOPATHY DUE TO PYRUVATE CARBOXYLASE DEFICIENCY; LEIGH SYNDROME DUE TO PYRUVATE CARBOXYLASE DEFICIENCY; ATAXIA WITH LACTIC ACIDOSIS II; PC DEFICIENCY. Identifiers: Orphanet 3008, MedGen C0034341, MONDO:0009949, OMIM 266150.

Submission:

Labcorp Genetics (formerly Invitae), Labcorp
Classification: Pathogenic for Pyruvate carboxylase deficiency. Last evaluated: 2021-07-02. Review status: criteria provided, single submitter. Criteria: Invitae Variant Classification Sherloc (09022015). Collection method: clinical testing. Allele origin: germline.
Comment: This sequence change affects a donor splice site in intron 21 of the PC gene. While this variant is not anticipated to result in nonsense mediated decay, it likely alters RNA splicing and results in a disrupted protein product. This variant is not present in population databases (ExAC no frequency). Disruption of this splice site has been observed in individual(s) with pyruvate carboxylase deficiency (PMID: 23430542). Nucleotide substitutions within the consensus splice site are a relatively common cause of aberrant splicing (PMID: 17576681, 9536098). Algorithms developed to predict the effect of sequence changes on RNA splicing suggest that this variant may disrupt the consensus splice site. This variant disrupts a region of the PC protein in which other variant(s) (p.Leu1137Valfs*34) have been determined to be pathogenic (PMID: 18676167; Invitae). This suggests that this is a clinically significant region of the protein, and that variants that disrupt it are likely to be disease-causing. For these reasons, this variant has been classified as Pathogenic.

Literature cited by the submitters: PubMed 23430542; PubMed 17576681; PubMed 9536098; PubMed 18676167.